The following is an entry in ClinVar:

NM_004655.4(AXIN2):c.1285G>A (p.Gly429Ser)

Gene: AXIN2 (axin 2; minus strand). Cytogenetic location: 17q24.1.
Variant type: single nucleotide variant.
Coding change: c.1285G>A on transcript NM_004655.4 (MANE Select); coding-DNA position 1285, G replaced by A.
Protein change: p.Gly429Ser; replaces glycine 429 with serine.
Molecular consequence: missense variant.
Genome position (GRCh38, 1-based): chr17:65,537,751, C>T on the plus strand (G>A on the coding strand, the complement: AXIN2 is on the minus strand). VCF-style: chr17-65537751-C-T. GRCh37 (hg19) VCF-style: chr17-63533869-C-T.
Other names: c.1285G>A (LRG_296t1); c.1285G>A, p.Gly429Ser (NM_001363813.1); short protein forms G429S.
Identifiers: ClinVar variation 533183 (VCV000533183.18), dbSNP rs773119996, ClinGen allele CA8718686.

ClinVar aggregate classification (germline): Uncertain significance. Review status: criteria provided, multiple submitters, no conflicts (2 of 4 stars). 5 submissions from 5 submitters: Uncertain significance (5). Last evaluated 2026-10-23.

Conditions:
Hereditary cancer-predisposing syndrome. Also called: Hereditary Cancer Syndrome; Tumor predisposition; Neoplastic Syndromes, Hereditary; Hereditary neoplastic syndrome. Identifiers: Orphanet 140162, MedGen C0027672, MeSH D009386, MONDO:0015356.
Oligodontia-cancer predisposition syndrome. Also called: TOOTH AGENESIS-COLORECTAL CANCER SYNDROME. Identifiers: Orphanet 300576, MedGen C1837750, MONDO:0012075, OMIM 608615. Disease mechanism: loss of function.
Colorectal cancer. Also called: Malignant Colorectal Neoplasm; Colorectal cancer, somatic. Identifiers: MedGen C0346629, MONDO:0005575, OMIM 114500.

Allele frequency attached by ClinVar (database versions not stated): ExAC 0.00012; TOPMed 0.00003; gnomAD 0.00003; gnomAD exomes 0.00003.
gnomAD v4.1: 28 of 1,576,262 alleles (0.0018%); highest among the groups gnomAD compares: Non-Finnish European, 0.0022%; no homozygotes.

Submissions (5):

GeneDx
Classification: Uncertain significance. Last evaluated: 2026-10-23. Review status: criteria provided, single submitter. Criteria: GeneDx Variant Classification Process June 2021. Collection method: clinical testing. Allele origin: germline.
Comment: Has not been previously published as pathogenic or benign to our knowledge; In silico analysis suggests that this missense variant does not alter protein structure/function; Not observed at significant frequency in large population cohorts (gnomAD); This variant is associated with the following publications: (PMID: 15735151)

Labcorp Genetics (formerly Invitae), Labcorp
Classification: Uncertain significance for Oligodontia-cancer predisposition syndrome. Last evaluated: 2026-01-19. Review status: criteria provided, single submitter. Criteria: Invitae Variant Classification Sherloc (09022015). Collection method: clinical testing. Allele origin: germline.
Comment: This sequence change replaces glycine, which is neutral and non-polar, with serine, which is neutral and polar, at codon 429 of the AXIN2 protein (p.Gly429Ser). This variant is present in population databases (rs773119996, gnomAD 0.005%). This variant has not been reported in the literature in individuals affected with AXIN2-related conditions. ClinVar contains an entry for this variant (Variation ID: 533183). Invitae Evidence Modeling of protein sequence and biophysical properties (such as structural, functional, and spatial information, amino acid conservation, physicochemical variation, residue mobility, and thermodynamic stability) indicates that this missense variant is not expected to disrupt AXIN2 protein function with a negative predictive value of 80%. In summary, the available evidence is currently insufficient to determine the role of this variant in disease. Therefore, it has been classified as a Variant of Uncertain Significance.

Quest Diagnostics Nichols Institute San Juan Capistrano
Classification: Uncertain significance. Last evaluated: 2024-08-29. Review status: criteria provided, single submitter. Criteria: Quest Diagnostics criteria. Collection method: clinical testing. Allele origin: unknown.
Comment: The AXIN2 c.1285G>A (p.Gly429Ser) variant has not been reported in individuals with AXIN2-related conditions in the published literature. The frequency of this variant in the general population, 0.000052 (4/76938 chromosomes (Genome Aggregation Database)), is uninformative in the assessment of its pathogenicity. Analysis of this variant using bioinformatics tools for the prediction of the effect of amino acid changes on protein structure and function yielded predictions that this variant is benign. Based on the available information, we are unable to determine the clinical significance of this variant.

Ambry Genetics
Classification: Uncertain significance for Hereditary cancer-predisposing syndrome. Last evaluated: 2024-01-04. Review status: criteria provided, single submitter. Criteria: Ambry Variant Classification Scheme 2023. Collection method: clinical testing. Allele origin: germline.
Comment: The p.G429S variant (also known as c.1285G>A), located in coding exon 5 of the AXIN2 gene, results from a G to A substitution at nucleotide position 1285. The glycine at codon 429 is replaced by serine, an amino acid with similar properties. This amino acid position is well conserved in available vertebrate species. In addition, this alteration is predicted to be tolerated by in silico analysis. Since supporting evidence is limited at this time, the clinical significance of this alteration remains unclear.

Baylor Genetics
Classification: Uncertain significance for Colorectal cancer. Last evaluated: 2023-12-19. Review status: criteria provided, single submitter. Criteria: ACMG Guidelines, 2015. Collection method: clinical testing. Allele origin: unknown.